The following is an entry in ClinVar:

NM_002334.4(LRP4):c.3451G>A (p.Gly1151Ser)

Gene: LRP4 (LDL receptor related protein 4; minus strand). Cytogenetic location: 11p11.2.
Variant type: single nucleotide variant.
Coding change: c.3451G>A on transcript NM_002334.4 (MANE Select); coding-DNA position 3451, G replaced by A.
Protein change: p.Gly1151Ser; replaces glycine 1151 with serine.
Molecular consequence: missense variant.
Genome position (GRCh38, 1-based): chr11:46,876,551, C>T on the plus strand (G>A on the coding strand, the complement: LRP4 is on the minus strand). VCF-style: chr11-46876551-C-T. GRCh37 (hg19) VCF-style: chr11-46898102-C-T.
Other names: short protein forms G1151S.
Identifiers: ClinVar variation 938277 (VCV000938277.9), dbSNP rs1941024656, ClinGen allele CA380274365.

ClinVar aggregate classification (germline): Uncertain significance (1 of 4 stars; one submission).

Conditions:
Sclerosteosis 2 (SOST2). Identifiers: Orphanet 3152, MedGen C3280402, MONDO:0013679, OMIM 614305.
Cenani-Lenz syndactyly syndrome. Also called: CENANI SYNDACTYLISM; SYNDACTYLY, TYPE VII. Identifiers: Orphanet 3258, MedGen C1859309, MONDO:0008931, OMIM 212780.
Congenital myasthenic syndrome 17. Identifiers: Orphanet 590, MedGen C4225377, MONDO:0014578, OMIM 616304.

Submission:

Labcorp Genetics (formerly Invitae), Labcorp
Classification: Uncertain significance for Cenani-Lenz syndactyly syndrome; Sclerosteosis 2; Congenital myasthenic syndrome 17. Last evaluated: 2020-01-15. Review status: criteria provided, single submitter. Criteria: Invitae Variant Classification Sherloc (09022015). Collection method: clinical testing. Allele origin: germline.
Comment: This variant is not present in population databases (ExAC no frequency). This sequence change replaces glycine with serine at codon 1151 of the LRP4 protein (p.Gly1151Ser). The glycine residue is highly conserved and there is a small physicochemical difference between glycine and serine. This variant has not been reported in the literature in individuals with LRP4-related conditions. Algorithms developed to predict the effect of missense changes on protein structure and function (SIFT, PolyPhen-2, Align-GVGD) all suggest that this variant is likely to be tolerated, but these predictions have not been confirmed by published functional studies and their clinical significance is uncertain. Algorithms developed to predict the effect of sequence changes on RNA splicing suggest that this variant may create or strengthen a splice site, but this prediction has not been confirmed by published transcriptional studies. In summary, the available evidence is currently insufficient to determine the role of this variant in disease. Therefore, it has been classified as a Variant of Uncertain Significance.